The following is an entry in ClinVar:

NM_001330260.2(SCN8A):c.5506A>T (p.Met1836Leu)

Gene: SCN8A (sodium voltage-gated channel alpha subunit 8; plus strand). Cytogenetic location: 12q13.13.
Variant type: single nucleotide variant.
Coding change: c.5506A>T on transcript NM_001330260.2 (MANE Select); coding-DNA position 5506, A replaced by T.
Protein change: p.Met1836Leu; replaces methionine 1836 with leucine.
Molecular consequence: missense variant.
Genome position (GRCh38, 1-based): chr12:51,806,992, A>T. VCF-style: chr12-51806992-A-T. GRCh37 (hg19) VCF-style: chr12-52200776-A-T.
Other names: c.5383A>T, p.Met1795Leu (NM_001177984.3, NM_001369788.1); c.5506A>T, p.Met1836Leu (NM_014191.4); short protein forms M1795L, M1836L.
Identifiers: ClinVar variation 1320728 (VCV001320728.6), dbSNP rs202187894, ClinGen allele CA236327668.

ClinVar aggregate classification (germline): Uncertain significance. Review status: criteria provided, multiple submitters, no conflicts (2 of 4 stars). 2 submissions from 2 submitters: Uncertain significance (2). Last evaluated 2026-08-21.

Conditions:
Early-infantile DEE. Also called: Early infantile epileptic encephalopathy; Ohtahara syndrome; Early infantile epileptic encephalopathy with suppression bursts. Identifiers: Orphanet 1934, MedGen C0393706, MONDO:0800491.

Allele frequency attached by ClinVar (database versions not stated): ESP Exome Variant Server 0.00008.

Submissions (2):

GeneDx
Classification: Uncertain significance. Last evaluated: 2026-08-21. Review status: criteria provided, single submitter. Criteria: GeneDx Variant Classification Process June 2021. Collection method: clinical testing. Allele origin: germline.
Comment: In silico analysis supports that this missense variant has a deleterious effect on protein structure/function; This substitution is predicted to be within the C-terminal cytoplasmic domain; Has not been previously published as pathogenic or benign to our knowledge

Labcorp Genetics (formerly Invitae), Labcorp
Classification: Uncertain significance for Early-infantile DEE. Last evaluated: 2024-01-04. Review status: criteria provided, single submitter. Criteria: Invitae Variant Classification Sherloc (09022015). Collection method: clinical testing. Allele origin: germline.
Comment: This sequence change replaces methionine, which is neutral and non-polar, with leucine, which is neutral and non-polar, at codon 1836 of the SCN8A protein (p.Met1836Leu). This variant is not present in population databases (gnomAD no frequency). This variant has not been reported in the literature in individuals affected with SCN8A-related conditions. ClinVar contains an entry for this variant (Variation ID: 1320728). Advanced modeling of protein sequence and biophysical properties (such as structural, functional, and spatial information, amino acid conservation, physicochemical variation, residue mobility, and thermodynamic stability) performed at Invitae indicates that this missense variant is not expected to disrupt SCN8A protein function with a negative predictive value of 95%. In summary, the available evidence is currently insufficient to determine the role of this variant in disease. Therefore, it has been classified as a Variant of Uncertain Significance.